The following is an entry in ClinVar:

NM_001354712.2(THRB):c.*730G>C

Gene: THRB (thyroid hormone receptor beta; minus strand). Cytogenetic location: 3p24.2.
Variant type: single nucleotide variant.
Coding change: c.*730G>C on transcript NM_001354712.2 (MANE Select); 730 bases downstream of the stop codon, G replaced by C.
Molecular consequence: 3 prime UTR variant.
Genome position (GRCh38, 1-based): chr3:24,122,154, C>G on the plus strand (G>C on the coding strand, the complement: THRB is on the minus strand). VCF-style: chr3-24122154-C-G. GRCh37 (hg19) VCF-style: chr3-24163645-C-G.
Other names: c.*730G>C (NM_000461.5, NM_001128176.3, NM_001128177.2 and 8 more transcripts).
Identifiers: ClinVar variation 344623 (VCV000344623.6), dbSNP rs826371, ClinGen allele CA10618372.

ClinVar aggregate classification (germline): Benign. Review status: criteria provided, multiple submitters, no conflicts (2 of 4 stars). 2 submissions from 2 submitters: Benign (2). Last evaluated 2018-01-13.

Conditions:
Thyroid hormone resistance, generalized, autosomal dominant (GRTHD). Also called: HYPERTHYROXINEMIA, FAMILIAL EUTHYROID, SECONDARY TO PITUITARY AND PERIPHERAL RESISTANCE TO THYROID HORMONES. Identifiers: MedGen C2937288, MONDO:0008569, OMIM 188570.

Allele frequency attached by ClinVar (database versions not stated): gnomAD exomes 0.21554; gnomAD 0.21886 and 0.22039; TOPMed 0.22411; 1000 Genomes Project 0.25080; 1000 Genomes Project 30x 0.25109.

Submissions (2):

Illumina Laboratory Services, Illumina
Classification: Benign for Thyroid hormone resistance, generalized, autosomal dominant. Last evaluated: 2018-01-13. Review status: criteria provided, single submitter. Criteria: ICSL Variant Classification Criteria 13 December 2019. Collection method: clinical testing. Allele origin: germline.
Comment: This variant was observed in the ICSL laboratory as part of a predisposition screen in an ostensibly healthy population. It had not been previously curated by ICSL or reported in the Human Gene Mutation Database (HGMD: prior to June 1st, 2018), and was therefore a candidate for classification through an automated scoring system. Utilizing variant allele frequency, disease prevalence and penetrance estimates, and inheritance mode, an automated score was calculated to assess if this variant is too frequent to cause the disease. Based on the score and internal cut-off values, a variant classified as benign is not then subjected to further curation. The score for this variant resulted in a classification of benign for this disease.

Breakthrough Genomics
Classification: Benign. Review status: criteria provided, single submitter. Criteria: ACMG Guidelines, 2015. Collection method: not provided. Allele origin: germline. Inheritance: Autosomal recessive inheritance. Affected: yes.